The following is an entry in ClinVar:

ClinVar aggregate classification (germline): Uncertain significance (1 of 4 stars; one submission).

Submission:

GeneDx
Classification: Uncertain significance. Last evaluated: 2019-10-29. Review status: criteria provided, single submitter. Criteria: GeneDx Variant Classification Process June 2021. Collection method: clinical testing. Allele origin: germline. Affected: yes.
Comment: Not observed in large population cohorts (Lek et al., 2016); In silico analysis, which includes protein predictors and evolutionary conservation, supports that this variant does not alter protein structure/function; Has not been previously published as pathogenic or benign to our knowledge

NM_138691.3(TMC1):c.1312G>T (p.Ala438Ser)

Gene: TMC1 (transmembrane channel like 1; plus strand). Cytogenetic location: 9q21.13.
Variant type: single nucleotide variant.
Coding change: c.1312G>T on transcript NM_138691.3 (MANE Select); coding-DNA position 1312, G replaced by T.
Protein change: p.Ala438Ser; replaces alanine 438 with serine.
Molecular consequence: missense variant.
Genome position (GRCh38, 1-based): chr9:72,791,973, G>T. VCF-style: chr9-72791973-G-T. GRCh37 (hg19) VCF-style: chr9-75406889-G-T.
Other names: short protein forms A438S.
Identifiers: ClinVar variation 1309910 (VCV001309910.2), dbSNP rs745495139, ClinGen allele CA373506164.
Genomic context (GRCh38, chr9:72,791,973, plus strand): 5'-ATGTTCTGTCCAACATTGTTTGACTTATTTGCTGAATTAGAAGACTACCATCCTCTCATC[G>T]CTTTGAAATGGCTACTGGGACGCATTTTTGCTCTTCTTTTAGGCAATTTATACGTATTTA-3'
Protein context (NP_619636.2, residues 428-448): AELEDYHPLI[Ala438Ser]LKWLLGRIFA